The following is an entry in ClinVar:

ClinVar aggregate classification (germline): Likely benign (1 of 4 stars; one submission).

Conditions:
IQCB1-related disorder. Also called: IQCB1-related condition.

Submission:

PreventionGenetics, part of Exact Sciences
Classification: Likely benign for IQCB1-related condition. Last evaluated: 2025-05-09. Review status: criteria provided, single submitter. Criteria: ACMG Guidelines, 2015. Collection method: clinical testing. Allele origin: germline.
Comment: This variant is classified as likely benign based on ACMG/AMP sequence variant interpretation guidelines (Richards et al. 2015 PMID: 25741868, with internal and published modifications).

NM_001023570.4(IQCB1):c.1130-8C>A

Gene: IQCB1 (IQ motif containing B1; minus strand). Cytogenetic location: 3q13.33.
Variant type: single nucleotide variant.
Coding change: c.1130-8C>A on transcript NM_001023570.4 (MANE Select); 8 bases into the intron before coding-DNA position 1130, C replaced by A.
Molecular consequence: intron variant.
Genome position (GRCh38, 1-based): chr3:121,788,440, G>T on the plus strand (C>A on the coding strand, the complement: IQCB1 is on the minus strand). VCF-style: chr3-121788440-G-T. GRCh37 (hg19) VCF-style: chr3-121507287-G-T.
Other names: c.1130-8C>A (NM_001319107.2); c.731-8C>A (NM_001023571.4).
Identifiers: ClinVar variation 4998937 (VCV004998937.1).
Genomic context (GRCh38, chr3:121,788,440, plus strand): 5'-GATAATCAGTGCTGATTTCTCTTCCATTTCCCGATAGTGTTTCTCCACCTGACCTAAAAA[G>T]ATGATAGACACTATTACAACATACTCACTGCCATGCTTTCTTAAGTTCTGGAATCAGGAC-3'